The following is an entry in ClinVar:

ClinVar aggregate classification (germline): Uncertain significance (1 of 4 stars; one submission).

Conditions:
Charcot-Marie-Tooth disease type 2. Also called: Charcot-Marie-Tooth type 2. Identifiers: Orphanet 64746, MedGen C0270914, MONDO:0018993.

Submission:

Labcorp Genetics (formerly Invitae), Labcorp
Classification: Uncertain significance for Charcot-Marie-Tooth disease type 2. Last evaluated: 2024-01-27. Review status: criteria provided, single submitter. Criteria: Invitae Variant Classification Sherloc (09022015). Collection method: clinical testing. Allele origin: germline.
Comment: This sequence change replaces serine, which is neutral and polar, with glycine, which is neutral and non-polar, at codon 1653 of the KIF1B protein (p.Ser1653Gly). This variant is not present in population databases (gnomAD no frequency). This variant has not been reported in the literature in individuals affected with KIF1B-related conditions. Algorithms developed to predict the effect of missense changes on protein structure and function output the following: SIFT: "Not Available"; PolyPhen-2: "Benign"; Align-GVGD: "Not Available". The glycine amino acid residue is found in multiple mammalian species, which suggests that this missense change does not adversely affect protein function. In summary, the available evidence is currently insufficient to determine the role of this variant in disease. Therefore, it has been classified as a Variant of Uncertain Significance.

NM_001365951.3(KIF1B):c.5095A>G (p.Ser1699Gly)

Gene: KIF1B (kinesin family member 1B; plus strand). Cytogenetic location: 1p36.22.
Variant type: single nucleotide variant.
Coding change: c.5095A>G on transcript NM_001365951.3 (MANE Select); coding-DNA position 5095, A replaced by G.
Protein change: p.Ser1699Gly; replaces serine 1699 with glycine.
Molecular consequence: missense variant.
Genome position (GRCh38, 1-based): chr1:10,374,464, A>G. VCF-style: chr1-10374464-A-G. GRCh37 (hg19) VCF-style: chr1-10434522-A-G.
Other names: c.5095A>G, p.Ser1699Gly (NM_001365952.1); c.4957A>G, p.Ser1653Gly (NM_015074.3); short protein forms S1653G, S1699G.
Identifiers: ClinVar variation 2713354 (VCV002713354.3), dbSNP rs757564628, ClinGen allele CA338329943.